The following is an entry in ClinVar:

ClinVar aggregate classification (germline): Uncertain significance (1 of 4 stars; one submission).

Conditions:
CYP21A2-related disorder. Also called: CYP21A2-related condition.

Submission:

PreventionGenetics, part of Exact Sciences
Classification: Uncertain significance for CYP21A2-related condition. Last evaluated: 2026-03-10. Review status: criteria provided, single submitter. Criteria: ACMG Guidelines, 2015. Collection method: clinical testing. Allele origin: germline.
Comment: The CYP21A2 c.-121C>T variant is located in the 5' untranslated region. This variant has been reported in the European Molecular Genetics Quality Network (EMQN) best practice guidelines for molecular genetic testing and reporting of 21-hydroxylase deficiency, but the pathogenicity is unknown (Baumgartner-Parzer et al. 2020. PubMed ID: 32616876). Its minor allele frequency is up to ~0.28% in subpopulations with multiple homozygotes (gnomAD v4). However, its minor allele frequency based on the current next-generation sequencing technology may not be an accurate estimate because this variant is located within a highly homologous sequence region (Mandelker et al. 2016. PubMed ID: 27228465). Of note, promoter variants in CYP21A2 have been reported to reduce transcriptional activities and therefore possibly associated to milder disease expressivity (Zhang et al. 2009. PubMed ID: 18702679; Araújo et al. 2007. PubMed ID: 17666484). Although we suspect that this variant may be benign, at this time, the clinical significance of this precoding variant is uncertain due to the absence of conclusive functional and genetic evidence.

NC_000006.12:g.32038302C>T

Genes: CYP21A2 (cytochrome P450 family 21 subfamily A member 2; plus strand), LOC106780800 (CYP21A2 recombination region; plus strand), LOC110631417 (CYP21A2 5' regulatory region; plus strand). Cytogenetic location: 6p21.33.
Variant type: single nucleotide variant.
Genome position: GRCh38 VCF-style: chr6-32038302-C-T. GRCh37 (hg19) VCF-style: chr6-32006079-C-T.
Identifiers: ClinVar variation 4980826 (VCV004980826.1).
Genomic context (GRCh38, chr6:32,038,302, plus strand): 5'-GACGTCCCAAGGCCAATGAGACTGGTGTCATTCCAGAAAAGGGCCACTCTGTGGGCGGGT[C>T]GGTGGGAGGGTACCTGAAGGTGGGGTCAAGGGAGGCCCCAAAACAGTCTACACAGCAGGA-3'